The following is an entry in ClinVar:

ClinVar aggregate classification (germline): Uncertain significance (1 of 4 stars; one submission).

gnomAD v4.1: 1 of 1,493,622 alleles (0.000067%); highest among the groups gnomAD compares: Non-Finnish European, 0.000093%; no homozygotes.

Submission:

Labcorp Genetics (formerly Invitae), Labcorp
Classification: Uncertain significance. Last evaluated: 2022-06-05. Review status: criteria provided, single submitter. Criteria: Invitae Variant Classification Sherloc (09022015). Collection method: clinical testing. Allele origin: germline.
Comment: This sequence change replaces leucine, which is neutral and non-polar, with valine, which is neutral and non-polar, at codon 373 of the IFT88 protein (p.Leu373Val). This variant is not present in population databases (gnomAD no frequency). This variant has not been reported in the literature in individuals affected with IFT88-related conditions. ClinVar contains an entry for this variant (Variation ID: 1427057). Algorithms developed to predict the effect of missense changes on protein structure and function are either unavailable or do not agree on the potential impact of this missense change (SIFT: "Not Available"; PolyPhen-2: "Possibly Damaging"; Align-GVGD: "Not Available"). In summary, the available evidence is currently insufficient to determine the role of this variant in disease. Therefore, it has been classified as a Variant of Uncertain Significance.

NM_006531.5(IFT88):c.1090C>G (p.Leu364Val)

Gene: IFT88 (intraflagellar transport 88; plus strand). Cytogenetic location: 13q12.11.
Variant type: single nucleotide variant.
Coding change: c.1090C>G on transcript NM_006531.5 (MANE Select); coding-DNA position 1090, C replaced by G.
Protein change: p.Leu364Val; replaces leucine 364 with valine.
Molecular consequence: missense variant. On other transcripts: non-coding transcript variant (5).
Genome position (GRCh38, 1-based): chr13:20,605,083, C>G. VCF-style: chr13-20605083-C-G. GRCh37 (hg19) VCF-style: chr13-21179222-C-G.
Other names: c.1033C>G, p.Leu345Val (NM_001318491.2, NM_001353573.2, NM_001353575.2); c.1117C>G, p.Leu373Val (NM_001318493.2, NM_001353565.2, NM_001353566.2 and 2 more transcripts); c.1090C>G, p.Leu364Val (NM_001353568.2, NM_001353572.2); c.1015C>G, p.Leu339Val (NM_001353569.2, NM_001353570.2, NM_001353576.2 and 1 more transcripts); c.988C>G, p.Leu330Val (NM_001353571.2, NM_001353578.2); c.931C>G, p.Leu311Val (NM_001353574.2); c.457C>G, p.Leu153Val (NM_001353579.2); short protein forms L311V, L339V, L345V, L153V, L330V, L364V, L373V.
Identifiers: ClinVar variation 1427057 (VCV001427057.6), dbSNP rs772217175, ClinGen allele CA387475911.